The following is an entry in ClinVar:

NM_000660.7(TGFB1):c.1015G>C (p.Val339Leu)

Gene: TGFB1 (transforming growth factor beta 1; minus strand). Cytogenetic location: 19q13.2.
Variant type: single nucleotide variant.
Coding change: c.1015G>C on transcript NM_000660.7 (MANE Select); coding-DNA position 1015, G replaced by C.
Protein change: p.Val339Leu; replaces valine 339 with leucine.
Molecular consequence: missense variant.
Genome position (GRCh38, 1-based): chr19:41,331,210, C>G on the plus strand (G>C on the coding strand, the complement: TGFB1 is on the minus strand). VCF-style: chr19-41331210-C-G. GRCh37 (hg19) VCF-style: chr19-41837115-C-G.
Other names: short protein forms V339L.
Identifiers: ClinVar variation 4718726 (VCV004718726.1).

ClinVar aggregate classification (germline): Uncertain significance (1 of 4 stars; one submission).

Submission:

Labcorp Genetics (formerly Invitae), Labcorp
Classification: Uncertain significance. Last evaluated: 2025-04-30. Review status: criteria provided, single submitter. Criteria: Invitae Variant Classification Sherloc (09022015). Collection method: clinical testing. Allele origin: germline.
Comment: This sequence change replaces valine, which is neutral and non-polar, with leucine, which is neutral and non-polar, at codon 339 of the TGFB1 protein (p.Val339Leu). This variant is not present in population databases (gnomAD no frequency). This variant has not been reported in the literature in individuals affected with TGFB1-related conditions. An algorithm developed to predict the effect of missense changes on protein structure and function (PolyPhen-2) suggests that this variant is likely to be disruptive. In summary, the available evidence is currently insufficient to determine the role of this variant in disease. Therefore, it has been classified as a Variant of Uncertain Significance.